The following is an entry in ClinVar:

ClinVar aggregate classification (germline): Pathogenic (1 of 4 stars; one submission).

Submission:

Clinical Genomics Laboratory, Laboratory for Precision Diagnostics, University of Washington
Classification: Pathogenic. Last evaluated: 2025-04-13. Review status: criteria provided, single submitter. Criteria: ACMG/ClinGen CNV Guidelines, 2019. Collection method: clinical testing. Allele origin: unknown. Affected: yes. Observed: 1 variant allele.
Comment: This terminal deletion is approximately 9.94 Mb in size and contains the entirety of the critical region for Wolf-Hirschhorn syndrome (WHS). At least 117 protein-coding genes are deleted, including NSD2 and MSX1.

Literature cited by the submitters: PubMed 34002939; PubMed 35428251; PubMed 36849216; PubMed 18932124.

GRCh38/hg38 4p16.3-16.1(chr4:49556-9995436)x1

Genes: JAKMIP1-DT (JAKMIP1 divergent transcript; plus strand), KIAA0232 (KIAA0232; plus strand), LETM1 (leucine zipper and EF-hand containing transmembrane protein 1; minus strand), LINC00955 (long independently transcribed non-coding RNA 955; plus strand), LINC01396 (long independently transcribed non-coding RNA 1396; plus strand) and 525 more. Cytogenetic location: 4p16.3-16.1.
Variant type: copy number loss.
Change: copy number 1 (one copy instead of two) of chr4:49,556-9,995,436 (9.95 Mb, GRCh38 coordinates, 1-based), cytogenetic band 4p16.3-16.1.
Identifiers: ClinVar variation 5038288 (VCV005038288.1).